The following is an entry in ClinVar:

ClinVar aggregate classification (germline): Uncertain significance (1 of 4 stars; one submission).

Conditions:
Charcot-Marie-Tooth disease type 2. Also called: Charcot-Marie-Tooth type 2. Identifiers: Orphanet 64746, MedGen C0270914, MONDO:0018993.

Submission:

Labcorp Genetics (formerly Invitae), Labcorp
Classification: Uncertain significance for Charcot-Marie-Tooth disease type 2. Last evaluated: 2020-02-12. Review status: criteria provided, single submitter. Criteria: Invitae Variant Classification Sherloc (09022015). Collection method: clinical testing. Allele origin: germline.
Comment: In summary, the available evidence is currently insufficient to determine the role of this variant in disease. Therefore, it has been classified as a Variant of Uncertain Significance. Algorithms developed to predict the effect of missense changes on protein structure and function are either unavailable or do not agree on the potential impact of this missense change (SIFT: "Deleterious"; PolyPhen-2: "Benign"; Align-GVGD: "Class C0"). This variant has not been reported in the literature in individuals with LMNA-related conditions. This variant is not present in population databases (ExAC no frequency). This sequence change replaces glycine with alanine at codon 631 of the LMNA protein (p.Gly631Ala). The glycine residue is highly conserved and there is a small physicochemical difference between glycine and alanine.

NM_170707.4(LMNA):c.1892G>C (p.Gly631Ala)

Gene: LMNA (lamin A/C; plus strand). Cytogenetic location: 1q22.
Variant type: single nucleotide variant.
Coding change: c.1892G>C on transcript NM_170707.4 (MANE Select); coding-DNA position 1892, G replaced by C.
Protein change: p.Gly631Ala; replaces glycine 631 with alanine.
Molecular consequence: missense variant. On other transcripts: intron variant (1).
Genome position (GRCh38, 1-based): chr1:156,138,681, G>C. VCF-style: chr1-156138681-G-C. GRCh37 (hg19) VCF-style: chr1-156108472-G-C.
Other names: c.1556G>C, p.Gly519Ala (NM_001257374.3); c.1802G>C, p.Gly601Ala (NM_170708.4); c.1818+74G>C (NM_001282626.2); short protein forms G519A, G631A, G601A.
Identifiers: ClinVar variation 961231 (VCV000961231.9), dbSNP rs267607648, ClinGen allele CA342827680.
Genomic context (GRCh38, chr1:156,138,681, plus strand): 5'-TCTCCTCTGGCTCTTCTGCCTCCAGTGTCACGGTCACTCGCAGCTACCGCAGTGTGGGGG[G>C]CAGTGGGGGTGGCAGCTTCGGGGACAATCTGGTCACCCGCTCCTACCTCCTGGGCAACTC-3'
Protein context (NP_733821.1, residues 621-641): TVTRSYRSVG[Gly631Ala]SGGGSFGDNL